The following is an entry in ClinVar:

ClinVar aggregate classification (germline): Uncertain significance (1 of 4 stars; one submission).

Submission:

Labcorp Genetics (formerly Invitae), Labcorp
Classification: Uncertain significance. Last evaluated: 2023-03-02. Review status: criteria provided, single submitter. Criteria: Invitae Variant Classification Sherloc (09022015). Collection method: clinical testing. Allele origin: germline.
Comment: Advanced modeling of protein sequence and biophysical properties (such as structural, functional, and spatial information, amino acid conservation, physicochemical variation, residue mobility, and thermodynamic stability) has been performed at Invitae for this missense variant, however the output from this modeling did not meet the statistical confidence thresholds required to predict the impact of this variant on RAI1 protein function. This sequence change replaces arginine, which is basic and polar, with proline, which is neutral and non-polar, at codon 167 of the RAI1 protein (p.Arg167Pro). This variant is not present in population databases (gnomAD no frequency). This variant has not been reported in the literature in individuals affected with RAI1-related conditions. In summary, the available evidence is currently insufficient to determine the role of this variant in disease. Therefore, it has been classified as a Variant of Uncertain Significance.

NM_030665.4(RAI1):c.500G>C (p.Arg167Pro)

Gene: RAI1 (retinoic acid induced 1; plus strand). Cytogenetic location: 17p11.2.
Variant type: single nucleotide variant.
Coding change: c.500G>C on transcript NM_030665.4 (MANE Select); coding-DNA position 500, G replaced by C.
Protein change: p.Arg167Pro; replaces arginine 167 with proline.
Molecular consequence: missense variant.
Genome position (GRCh38, 1-based): chr17:17,793,448, G>C. VCF-style: chr17-17793448-G-C. GRCh37 (hg19) VCF-style: chr17-17696762-G-C.
Other names: short protein forms R167P.
Identifiers: ClinVar variation 2842312 (VCV002842312.3), dbSNP rs771338296, ClinGen allele CA398545599.
Genomic context (GRCh38, chr17:17,793,448, plus strand): 5'-AAAAGACAGCAGTGCCCCCCAGCAGGCAGTATGCAGAGCAGGGCGCCCAGGTGCCCTTTC[G>C]GACTCACTCCCTGCACGTCCAGCAGCCACCGCCGCCCCAGCAGCCCCTGGCATACCCCAA-3'
Protein context (NP_109590.3, residues 157-177): YAEQGAQVPF[Arg167Pro]THSLHVQQPP